The following is an entry in ClinVar:

ClinVar aggregate classification (germline): Likely benign (1 of 4 stars; one submission).

Allele frequency attached by ClinVar (database versions not stated): 1000 Genomes Project 0.00100; 1000 Genomes Project 30x 0.00141; gnomAD 0.00222; TOPMed 0.00258; ExAC 0.00267; gnomAD exomes 0.00318; ESP Exome Variant Server 0.00354.
gnomAD v4.1: 4,988 of 1,612,776 alleles (0.31%); highest among the groups gnomAD compares: Non-Finnish European, 0.35%; 11 homozygotes.

Submission:

CeGaT Center for Human Genetics Tuebingen
Classification: Likely benign. Last evaluated: 2023-03-01. Review status: criteria provided, single submitter. Criteria: CeGaT Center For Human Genetics Tuebingen Variant Classification Criteria Version 2. Collection method: clinical testing. Allele origin: germline. Affected: yes. Observed: 2 variant alleles.
Comment: FOLH1: BP4, BP7

NM_004476.3(FOLH1):c.537T>C (p.Tyr179=)

Gene: FOLH1 (folate hydrolase 1; minus strand). Cytogenetic location: 11p11.12.
Variant type: single nucleotide variant.
Coding change: c.537T>C on transcript NM_004476.3 (MANE Select); coding-DNA position 537, T replaced by C.
Protein change: p.Tyr179=; no amino-acid change (tyrosine 179 retained).
Molecular consequence: synonymous variant. On other transcripts: 5 prime UTR variant (1).
Genome position (GRCh38, 1-based): chr11:49,186,746, A>G on the plus strand (T>C on the coding strand, the complement: FOLH1 is on the minus strand). VCF-style: chr11-49186746-A-G. GRCh37 (hg19) VCF-style: chr11-49208298-A-G.
Other names: c.537T>C, p.Tyr179= (NM_001014986.3); c.492T>C, p.Tyr164= (NM_001193471.3, NM_001193472.3); c.-201T>C (NM_001193473.3); c.366T>C, p.Tyr122= (NM_001351236.2).
Identifiers: ClinVar variation 2641781 (VCV002641781.24), dbSNP rs75655145, ClinGen allele CA5987076.
Genomic context (GRCh38, chr11:49,186,746, plus strand): 5'-TTTCCCAGAGCAATTGATTTTCATGTCCCGTTCCAATTTAAAGAAGTCTTCAGTTCGTGC[A>G]TAGTTAACATACACTAGATCGCCCTGTTGAGATCGGGAATGACTTAATATGAGTCAGATA-3'
Protein context (NP_004467.1, residues 169-189): MPEGDLVYVN[Tyr179=]ARTEDFFKLE